The following is an entry in ClinVar:

ClinVar aggregate classification (germline): Conflicting classifications of pathogenicity. Review status: criteria provided, conflicting classifications (1 of 4 stars). 4 submissions from 4 submitters: Uncertain significance (2); Likely benign (1). 1 of the submissions does not count toward it. Last evaluated 2024-03-09.

Conditions:
Combined oxidative phosphorylation deficiency 44. Also called: FASTKD2-Related Combined Oxidative Phosphorylation Deficiency. Identifiers: MedGen C5394293, MONDO:0030020, OMIM 618855.
FASTKD2-related disorder. Also called: FASTKD2-related condition.

Allele frequency attached by ClinVar (database versions not stated): TOPMed below 0.00001; ExAC 0.00001; gnomAD 0.00001; gnomAD exomes 0.00002.
gnomAD v4.1: 22 of 1,532,170 alleles (0.0014%); highest among the groups gnomAD compares: South Asian, 0.0089%; no homozygotes.

Submissions (4):

Labcorp Genetics (formerly Invitae), Labcorp
Classification: Likely benign. Last evaluated: 2024-03-09. Review status: criteria provided, single submitter. Criteria: Invitae Variant Classification Sherloc (09022015). Collection method: clinical testing. Allele origin: germline.

Fulgent Genetics
Classification: Uncertain significance for Combined oxidative phosphorylation deficiency 44. Last evaluated: 2024-02-03. Review status: criteria provided, single submitter. Criteria: ACMG Guidelines, 2015. Collection method: clinical testing. Allele origin: germline.

CeGaT Center for Human Genetics Tuebingen
Classification: Uncertain significance. Last evaluated: 2022-10-01. Review status: criteria provided, single submitter. Criteria: CeGaT Center For Human Genetics Tuebingen Variant Classification Criteria Version 2. Collection method: clinical testing. Allele origin: germline. Affected: yes. Observed: 1 variant allele.
Comment: FASTKD2: PM2, BP4

PreventionGenetics, part of Exact Sciences
Classification: Likely benign for FASTKD2-related condition. Last evaluated: 2020-03-20. Review status: no assertion criteria provided. Collection method: clinical testing. Allele origin: germline. Not counted in ClinVar's aggregate classification.
Comment: This variant is classified as likely benign based on ACMG/AMP sequence variant interpretation guidelines (Richards et al. 2015 PMID: 25741868, with internal and published modifications).

NM_001136193.2(FASTKD2):c.1587G>C (p.Leu529=)

Gene: FASTKD2 (FASTK mitochondrial RNA regulator 2; plus strand). Cytogenetic location: 2q33.3.
Variant type: single nucleotide variant.
Coding change: c.1587G>C on transcript NM_001136193.2 (MANE Select); coding-DNA position 1587, G replaced by C.
Protein change: p.Leu529=; no amino-acid change (leucine 529 retained).
Molecular consequence: synonymous variant.
Genome position (GRCh38, 1-based): chr2:206,786,892, G>C. VCF-style: chr2-206786892-G-C. GRCh37 (hg19) VCF-style: chr2-207651616-G-C.
Other names: c.1587G>C, p.Leu529= (NM_001136194.2, NM_014929.4); c.1587G>C (NM_014929.3).
Identifiers: ClinVar variation 1879519 (VCV001879519.34), dbSNP rs758086677, ClinGen allele CA2075197.